The following is an entry in ClinVar:

ClinVar aggregate classification (germline): Uncertain significance (1 of 4 stars; one submission).

gnomAD v4.1: 2 of 1,613,852 alleles (0.00012%); highest among the groups gnomAD compares: Non-Finnish European, 0.00017%; no homozygotes.

Submission:

Athena Diagnostics
Classification: Uncertain significance. Last evaluated: 2023-12-14. Review status: criteria provided, single submitter. Criteria: Athena Diagnostics Criteria. Collection method: clinical testing. Allele origin: unknown.
Comment: Available data are insufficient to determine the clinical significance of the variant at this time. This variant has not been reported in large, multi-ethnic general populations. Computational tools predict that this variant is not damaging.

NM_182961.4(SYNE1):c.16225A>G (p.Ile5409Val)

Gene: SYNE1 (spectrin repeat containing nuclear envelope protein 1; minus strand). Cytogenetic location: 6q25.2.
Variant type: single nucleotide variant.
Coding change: c.16225A>G on transcript NM_182961.4 (MANE Select); coding-DNA position 16225, A replaced by G.
Protein change: p.Ile5409Val; replaces isoleucine 5409 with valine.
Molecular consequence: missense variant.
Genome position (GRCh38, 1-based): chr6:152,321,249, T>C on the plus strand (A>G on the coding strand, the complement: SYNE1 is on the minus strand). VCF-style: chr6-152321249-T-C. GRCh37 (hg19) VCF-style: chr6-152642384-T-C.
Other names: c.16012A>G, p.Ile5338Val (NM_033071.5); short protein forms I5338V, I5409V.
Identifiers: ClinVar variation 3571650 (VCV003571650.1).